The following is an entry in ClinVar:

ClinVar aggregate classification (germline): Benign/Likely benign. Review status: criteria provided, multiple submitters, no conflicts (2 of 4 stars). 17 submissions from 15 submitters: Benign (9); Likely benign (4). 4 of the submissions do not count toward it. Last evaluated 2026-09-01.

Conditions:
Arterial calcification, generalized, of infancy, 2. Identifiers: Orphanet 51608, MedGen C3276161, MONDO:0013768, OMIM 614473.
Autosomal recessive inherited pseudoxanthoma elasticum (PXE). Identifiers: Orphanet 758, MedGen CN032334, MONDO:0009925, OMIM 264800.
Pseudoxanthoma elasticum, forme fruste. Also called: Pseudoxanthoma Elasticum, Incomplete; PSEUDOXANTHOMA ELASTICUM, HETEROZYGOUS. Identifiers: Orphanet 758, MedGen C1867450, MONDO:0008333, OMIM 177850.
Finnish congenital nephrotic syndrome (NPHS1). Also called: NEPHROTIC SYNDROME, TYPE 1. Identifiers: Orphanet 839, MedGen C0403399, MONDO:0009732, OMIM 256300.

Allele frequency attached by ClinVar (database versions not stated): 1000 Genomes Project 30x 0.01046; 1000 Genomes Project 0.01078; TOPMed 0.01224; ESP Exome Variant Server 0.01385; gnomAD 0.01517 and 0.01548; ExAC 0.01605; gnomAD exomes 0.01639.
gnomAD v4.1: 28,859 of 1,613,868 alleles (1.8%); highest among the groups gnomAD compares: South Asian, 2.2%; 357 homozygotes.

Submissions 1 to 30 of 44:

CeGaT Center for Human Genetics Tuebingen
Classification: Benign. Last evaluated: 2026-09-01. Review status: criteria provided, single submitter. Criteria: CeGaT Center For Human Genetics Tuebingen Variant Classification Criteria Version 2. Collection method: clinical testing. Allele origin: germline. Affected: yes. Observed: 82 variant alleles.
Comment: ABCC6: BP4, BS1, BS2

Labcorp Genetics (formerly Invitae), Labcorp
Classification: Benign. Last evaluated: 2026-02-04. Review status: criteria provided, single submitter. Criteria: Invitae Variant Classification Sherloc (09022015). Collection method: clinical testing. Allele origin: germline.

Laboratory of Genetics, Children's Clinical University Hospital Latvia
Classification: Benign. Last evaluated: 2025-02-16. Review status: criteria provided, single submitter. Criteria: ACMG Guidelines, 2015. Collection method: clinical testing. Allele origin: germline. Affected: yes.

Blueprint Genetics
Classification: Likely benign. Last evaluated: 2024-11-27. Review status: criteria provided, single submitter. Criteria: ACMG Guidelines, 2015. Collection method: clinical testing. Allele origin: germline.

Mayo Clinic Laboratories, Mayo Clinic
Classification: Benign. Last evaluated: 2024-02-20. Review status: criteria provided, single submitter. Criteria: ACMG Guidelines, 2015. Collection method: clinical testing. Allele origin: germline. Observed: 5 variant alleles.
Comment: BS1, BS2, BP4, BP7

Fulgent Genetics
Classification: Likely benign for Pseudoxanthoma elasticum, forme fruste; Autosomal recessive inherited pseudoxanthoma elasticum; Arterial calcification, generalized, of infancy, 2. Last evaluated: 2022-04-01. Review status: criteria provided, single submitter. Criteria: ACMG Guidelines, 2015. Collection method: clinical testing. Allele origin: unknown.

Genome-Nilou Lab
Classification: Benign for Arterial calcification, generalized, of infancy, 2. Last evaluated: 2021-12-05. Review status: criteria provided, single submitter. Criteria: ACMG Guidelines, 2015. Collection method: clinical testing. Allele origin: germline. Affected: no.

Genome-Nilou Lab
Classification: Benign for Autosomal recessive inherited pseudoxanthoma elasticum. Last evaluated: 2021-12-05. Review status: criteria provided, single submitter. Criteria: ACMG Guidelines, 2015. Collection method: clinical testing. Allele origin: germline. Affected: no.

Genome-Nilou Lab
Classification: Benign for Pseudoxanthoma elasticum, forme fruste. Last evaluated: 2021-12-05. Review status: criteria provided, single submitter. Criteria: ACMG Guidelines, 2015. Collection method: clinical testing. Allele origin: germline. Affected: no.

PXE International
Classification: Benign for Autosomal recessive inherited pseudoxanthoma elasticum. Last evaluated: 2021-03-01. Review status: criteria provided, single submitter. Criteria: Submitter's publication. Collection method: research. Allele origin: germline. Inheritance: Autosomal recessive inheritance. Affected: yes.

Eurofins Ntd Llc (ga)
Classification: Benign. Last evaluated: 2016-04-13. Review status: criteria provided, single submitter. Criteria: EGL Classification Definitions 2015. Collection method: clinical testing. Allele origin: germline.

Breakthrough Genomics
Classification: Likely benign. Review status: criteria provided, single submitter. Criteria: ACMG Guidelines, 2015. Collection method: not provided. Allele origin: germline. Inheritance: Autosomal recessive inheritance. Affected: yes.

Broad Center for Mendelian Genomics, Broad Institute of MIT and Harvard
Classification: Likely benign for Finnish congenital nephrotic syndrome. Review status: criteria provided, single submitter. Criteria: ACMG Guidelines, 2015. Collection method: research. Allele origin: germline. Inheritance: Autosomal recessive inheritance. Affected: yes.
Comment: The heterozygous c.3507-3C>T variant in ABCC6 has been reported in at least 2 individuals with autosomal recessive pseudoxanthoma elasticum (PMID: 16835894). It has also been identified in >3% of European (Finnish) chromosomes and 14 homozygotes by ExAC. In summary, although additional studies are required to fully establish its clinical significance, this variant meets criteria to be classified as likely benign for autosomal recessive pseudoxanthoma elasticum.

Clinical Genetics, Academic Medical Center
Classification: Benign. Review status: no assertion criteria provided. Collection method: clinical testing. Allele origin: germline. Affected: yes. Study: VKGL Data-share Consensus. Not counted in ClinVar's aggregate classification.

Diagnostic Laboratory, Department of Genetics, University Medical Center Groningen
Classification: Benign. Review status: no assertion criteria provided. Collection method: clinical testing. Allele origin: germline. Affected: yes. Study: VKGL Data-share Consensus. Not counted in ClinVar's aggregate classification.

Dr. Peter K. Rogan Lab, Western University
No classification provided (evidence only). Condition: Clear cell carcinoma of kidney. Review status: no classification provided. Collection method: in vitro. Allele origin: not applicable. Functional consequence: retained intron. Not counted in ClinVar's aggregate classification.

Dr. Peter K. Rogan Lab, Western University
No classification provided (evidence only). Condition: Clear cell carcinoma of kidney. Review status: no classification provided. Collection method: in vitro. Allele origin: not applicable. Functional consequence: retained intron. Not counted in ClinVar's aggregate classification.

Dr. Peter K. Rogan Lab, Western University
No classification provided (evidence only). Condition: Clear cell carcinoma of kidney. Review status: no classification provided. Collection method: in vitro. Allele origin: not applicable. Functional consequence: retained intron. Not counted in ClinVar's aggregate classification.

Dr. Peter K. Rogan Lab, Western University
No classification provided (evidence only). Condition: Clear cell carcinoma of kidney. Review status: no classification provided. Collection method: in vitro. Allele origin: not applicable. Functional consequence: retained intron. Not counted in ClinVar's aggregate classification.

Dr. Peter K. Rogan Lab, Western University
No classification provided (evidence only). Condition: Lung cancer. Review status: no classification provided. Collection method: in vitro. Allele origin: not applicable. Functional consequence: retained intron. Not counted in ClinVar's aggregate classification.

Dr. Peter K. Rogan Lab, Western University
No classification provided (evidence only). Condition: Lung cancer. Review status: no classification provided. Collection method: in vitro. Allele origin: not applicable. Functional consequence: retained intron. Not counted in ClinVar's aggregate classification.

Dr. Peter K. Rogan Lab, Western University
No classification provided (evidence only). Condition: Lung cancer. Review status: no classification provided. Collection method: in vitro. Allele origin: not applicable. Functional consequence: retained intron. Not counted in ClinVar's aggregate classification.

Dr. Peter K. Rogan Lab, Western University
No classification provided (evidence only). Condition: Lung cancer. Review status: no classification provided. Collection method: in vitro. Allele origin: not applicable. Functional consequence: retained intron. Not counted in ClinVar's aggregate classification.

Dr. Peter K. Rogan Lab, Western University
No classification provided (evidence only). Condition: Lung cancer. Review status: no classification provided. Collection method: in vitro. Allele origin: not applicable. Functional consequence: retained intron. Not counted in ClinVar's aggregate classification.

Dr. Peter K. Rogan Lab, Western University
No classification provided (evidence only). Condition: Familial cancer of breast. Review status: no classification provided. Collection method: in vitro. Allele origin: not applicable. Functional consequence: retained intron. Not counted in ClinVar's aggregate classification.

Dr. Peter K. Rogan Lab, Western University
No classification provided (evidence only). Condition: Familial cancer of breast. Review status: no classification provided. Collection method: in vitro. Allele origin: not applicable. Functional consequence: retained intron. Not counted in ClinVar's aggregate classification.

Dr. Peter K. Rogan Lab, Western University
No classification provided (evidence only). Condition: Familial cancer of breast. Review status: no classification provided. Collection method: in vitro. Allele origin: not applicable. Functional consequence: retained intron. Not counted in ClinVar's aggregate classification.

Dr. Peter K. Rogan Lab, Western University
No classification provided (evidence only). Condition: Familial cancer of breast. Review status: no classification provided. Collection method: in vitro. Allele origin: not applicable. Functional consequence: retained intron. Not counted in ClinVar's aggregate classification.

Dr. Peter K. Rogan Lab, Western University
No classification provided (evidence only). Condition: Familial cancer of breast. Review status: no classification provided. Collection method: in vitro. Allele origin: not applicable. Functional consequence: retained intron. Not counted in ClinVar's aggregate classification.

Dr. Peter K. Rogan Lab, Western University
No classification provided (evidence only). Condition: Acute myeloid leukemia. Review status: no classification provided. Collection method: in vitro. Allele origin: not applicable. Functional consequence: retained intron. Not counted in ClinVar's aggregate classification.

NM_001171.6(ABCC6):c.3507-3C>T

Gene: ABCC6 (ATP binding cassette subfamily C member 6; minus strand). Cytogenetic location: 16p13.11.
Variant type: single nucleotide variant.
Coding change: c.3507-3C>T on transcript NM_001171.6 (MANE Select); 3 bases into the intron before coding-DNA position 3507, C replaced by T.
Molecular consequence: intron variant.
Genome position (GRCh38, 1-based): chr16:16,161,567, G>A on the plus strand (C>T on the coding strand, the complement: ABCC6 is on the minus strand). VCF-style: chr16-16161567-G-A. GRCh37 (hg19) VCF-style: chr16-16255424-G-A.
Other names: p.?; c.3165-3C>T (NM_001351800.1).
Identifiers: ClinVar variation 281169 (VCV000281169.59), dbSNP rs41278172, ClinGen allele CA7925542.